The following is an entry in ClinVar:

NM_006031.6(PCNT):c.7366_7369dup (p.Val2457fs)

Gene: PCNT (pericentrin; plus strand). Cytogenetic location: 21q22.3.
Variant type: Duplication.
Coding change: c.7366_7369dup on transcript NM_006031.6 (MANE Select); coding-DNA positions 7366 to 7369, 4 bases duplicated (GTTG; older notation c.7366_7369dupGTTG).
Protein change: p.Val2457fs; shifts the reading frame from valine 2457.
Molecular consequence: frameshift variant.
Genome position (GRCh38, 1-based): chr21:46,427,667-46,427,670, GTTG duplicated; duplicating any 4 consecutive bases within chr21:46,427,666-46,427,670 gives the same sequence; the c. name uses the placement nearest the transcript's 3' end. VCF-style (leftmost placement, unchanged base first): chr21-46427665-A-AGGTT. GRCh37 (hg19) VCF-style: chr21-47847579-A-AGGTT.
Other names: c.7012_7015dup, p.Val2339fs (NM_001315529.2); short protein forms V2339fs, V2457fs.
Identifiers: ClinVar variation 2038970 (VCV002038970.4), dbSNP rs2518961996, ClinGen allele CA2580099052.
Genomic context (GRCh38, chr21:46,427,665, plus strand): 5'-CTTCCTTCTTCCTTTAGGAAGTGCCCACCGCGTGCCCCGATTGGAGAGGGGACCTTCTGC[A>AGGTT]GGTTGTGCAAGAGGCCTTTGAAAAAGAGCAGGAGATGCAGGGGGTTGAGCTGCAGCCCCG-3'

ClinVar aggregate classification (germline): Pathogenic (1 of 4 stars; one submission).

Submission:

Labcorp Genetics (formerly Invitae), Labcorp
Classification: Pathogenic. Last evaluated: 2022-06-23. Review status: criteria provided, single submitter. Criteria: Invitae Variant Classification Sherloc (09022015). Collection method: clinical testing. Allele origin: germline.
Comment: This sequence change creates a premature translational stop signal (p.Val2457Glyfs*7) in the PCNT gene. It is expected to result in an absent or disrupted protein product. Loss-of-function variants in PCNT are known to be pathogenic (PMID: 18174396, 22821869). This variant is not present in population databases (gnomAD no frequency). This variant has not been reported in the literature in individuals affected with PCNT-related conditions. For these reasons, this variant has been classified as Pathogenic.

Literature cited by the submitters: PubMed 18174396; PubMed 22821869.